The following is an entry in ClinVar:

ClinVar aggregate classification (germline): Conflicting classifications of pathogenicity. Review status: criteria provided, conflicting classifications (1 of 4 stars). 9 submissions from 8 submitters: Uncertain significance (8); Likely benign (1). Last evaluated 2026-01-04.

Conditions:
Hereditary nonpolyposis colorectal neoplasms. Identifiers: MedGen C0009405, MeSH D003123.
Hereditary cancer-predisposing syndrome. Also called: Hereditary neoplastic syndrome; Tumor predisposition; Neoplastic Syndromes, Hereditary; Hereditary Cancer Syndrome. Identifiers: Orphanet 140162, MedGen C0027672, MeSH D009386, MONDO:0015356.
Mismatch repair cancer syndrome 1 (MMRCS1). Also called: MISMATCH REPAIR DEFICIENCY; MMR DEFICIENCY; BRAIN TUMOR-POLYPOSIS SYNDROME 1; BTP1 SYNDROME; CHILDHOOD CANCER SYNDROME. Identifiers: Orphanet 252202, MedGen C5399763, MONDO:0010159, OMIM 276300. Disease mechanism: loss of function.
Endometrial carcinoma. Also called: Endometrial carcinoma, somatic. Identifiers: MedGen C0476089, MONDO:0002447, OMIM 608089, HP:0012114.
Lynch syndrome 5 (LYNCH5). Also called: Hereditary non-polyposis colorectal cancer, type 5; Colorectal cancer, hereditary nonpolyposis, type 5. Identifiers: Orphanet 144, MedGen C1833477, MONDO:0013710, OMIM 614350. Disease mechanism: loss of function.
Mismatch repair cancer syndrome 3. Identifiers: MedGen C5436807, MONDO:0030841, OMIM 619097.
Lynch syndrome. Identifiers: Orphanet 144, MedGen C4552100, MONDO:0005835. Disease mechanism: loss of function.

Allele frequency attached by ClinVar (database versions not stated): gnomAD exomes below 0.00001 and 0.00001; TOPMed below 0.00001; gnomAD 0.00001.
gnomAD v4.1: 14 of 1,614,050 alleles (0.00087%); highest among the groups gnomAD compares: Non-Finnish European, 0.0011%; no homozygotes.

Submissions (9):

Labcorp Genetics (formerly Invitae), Labcorp
Classification: Likely benign for Hereditary nonpolyposis colorectal neoplasms. Last evaluated: 2026-01-04. Review status: criteria provided, single submitter. Criteria: Invitae Variant Classification Sherloc (09022015). Collection method: clinical testing. Allele origin: germline.

GeneDx
Classification: Uncertain significance. Last evaluated: 2024-08-08. Review status: criteria provided, single submitter. Criteria: GeneDx Variant Classification Process June 2021. Collection method: clinical testing. Allele origin: germline. Affected: yes.
Comment: Not observed at significant frequency in large population cohorts (gnomAD); In silico analysis supports that this missense variant has a deleterious effect on protein structure/function; Observed in an individual with endometroid endometrial cancer (PMID: 23104009); This variant is associated with the following publications: (PMID: 17531815, 21120944, 23104009)

Ambry Genetics
Classification: Uncertain significance for Hereditary cancer-predisposing syndrome. Last evaluated: 2024-07-16. Review status: criteria provided, single submitter. Criteria: Ambry Variant Classification Scheme 2023. Collection method: clinical testing. Allele origin: germline.
Comment: The p.K545E variant (also known as c.1633A>G), located in coding exon 4 of the MSH6 gene, results from an A to G substitution at nucleotide position 1633. The lysine at codon 545 is replaced by glutamic acid, an amino acid with similar properties. This amino acid position is well conserved in available vertebrate species. In addition, the in silico prediction for this alteration is inconclusive. Since supporting evidence is limited at this time, the clinical significance of this alteration remains unclear.

Fulgent Genetics
Classification: Uncertain significance for Endometrial carcinoma; Lynch syndrome 5; Mismatch repair cancer syndrome 3. Last evaluated: 2024-06-07. Review status: criteria provided, single submitter. Criteria: ACMG Guidelines, 2015. Collection method: clinical testing. Allele origin: germline.

All of Us Research Program, National Institutes of Health
Classification: Uncertain significance for Lynch syndrome. Last evaluated: 2024-05-30. Review status: criteria provided, single submitter. Criteria: ACMG Guidelines, 2015. Collection method: clinical testing. Allele origin: germline. Inheritance: Autosomal dominant inheritance. Observed: 2 variant alleles, 2 heterozygotes.
Comment: This missense variant replaces lysine with glutamic acid at codon 545 of the MSH6 protein. Computational prediction is inconclusive regarding the impact of this variant on protein structure and function (internally defined REVEL score threshold 0.5 < inconclusive < 0.7, PMID: 27666373). To our knowledge, functional studies have not been reported for this variant. The variant has been reported in an individual affected with endometrial cancer (PMID: 23104009). This variant has been identified in 1/251234 chromosomes in the general population by the Genome Aggregation Database (gnomAD). The available evidence is insufficient to determine the role of this variant in disease conclusively. Therefore, this variant is classified as a Variant of Uncertain Significance.

This study involves interpretation of variants in research participants for the purpose of population health screening. Participant phenotype was not available at the time of variant classification. Additional details can be found in publication PMID: 35346344, PMCID: PMC8962531

Color Diagnostics, LLC DBA Color Health
Classification: Uncertain significance for Hereditary cancer-predisposing syndrome. Last evaluated: 2024-05-08. Review status: criteria provided, single submitter. Criteria: ACMG Guidelines, 2015. Collection method: clinical testing. Allele origin: germline.
Comment: This missense variant replaces lysine with glutamic acid at codon 545 of the MSH6 protein. Computational prediction is inconclusive regarding the impact of this variant on protein structure and function (internally defined REVEL score threshold 0.5 < inconclusive < 0.7, PMID: 27666373). To our knowledge, functional studies have not been reported for this variant. The variant has been reported in an individual affected with endometrial cancer (PMID: 23104009). This variant has been identified in 1/251234 chromosomes in the general population by the Genome Aggregation Database (gnomAD). The available evidence is insufficient to determine the role of this variant in disease conclusively. Therefore, this variant is classified as a Variant of Uncertain Significance.

Baylor Genetics
Classification: Uncertain significance for Endometrial carcinoma. Last evaluated: 2023-08-04. Review status: criteria provided, single submitter. Criteria: ACMG Guidelines, 2015. Collection method: clinical testing. Allele origin: unknown.

Fulgent Genetics
Classification: Uncertain significance for Mismatch repair cancer syndrome 1; Endometrial carcinoma; Lynch syndrome 5. Last evaluated: 2018-10-31. Review status: criteria provided, single submitter. Criteria: ACMG Guidelines, 2015. Collection method: clinical testing. Allele origin: unknown.

Center for Human Genetics, Inc
Classification: Uncertain significance for Lynch syndrome 5. Last evaluated: 2016-11-01. Review status: criteria provided, single submitter. Criteria: ACMG Guidelines, 2015. Collection method: clinical testing. Allele origin: germline. Affected: yes.

Literature cited by the submitters: PubMed 23104009 (cited by All of Us Research Program, National Institutes of Health and Color Diagnostics, LLC DBA Color Health).

NM_000179.3(MSH6):c.1633A>G (p.Lys545Glu)

Gene: MSH6 (mutS homolog 6; plus strand). Cytogenetic location: 2p16.3.
Variant type: single nucleotide variant.
Coding change: c.1633A>G on transcript NM_000179.3 (MANE Select); coding-DNA position 1633, A replaced by G.
Protein change: p.Lys545Glu; replaces lysine 545 with glutamic acid.
Molecular consequence: missense variant.
Genome position (GRCh38, 1-based): chr2:47,799,616, A>G. VCF-style: chr2-47799616-A-G. GRCh37 (hg19) VCF-style: chr2-48026755-A-G.
Other names: c.1243A>G, p.Lys415Glu (NM_001281492.2); c.727A>G, p.Lys243Glu (NM_001281493.2, NM_001281494.2); short protein forms K545E, K415E, K243E.
Identifiers: ClinVar variation 418743 (VCV000418743.27), dbSNP rs1064793403, ClinGen allele CA16617656.
Genomic context (GRCh38, chr2:47,799,616, plus strand): 5'-AGTGTGCTGGAAGGTGATCCCTCTGAGAACTACAGTAAGTATCTTCTTAGCCTCAAAGAA[A>G]AAGAGGAAGATTCTTCTGGCCATACTCGTGCATATGGTGTGTGCTTTGTTGATACTTCAC-3'
Protein context (NP_000170.1, residues 535-555): YSKYLLSLKE[Lys545Glu]EEDSSGHTRA